The following is an entry in ClinVar:

NM_025137.4(SPG11):c.257+15A>C

Gene: SPG11 (SPG11 vesicle trafficking associated, spatacsin; minus strand). Cytogenetic location: 15q21.1.
Variant type: single nucleotide variant.
Coding change: c.257+15A>C on transcript NM_025137.4 (MANE Select); 15 bases into the intron after coding-DNA position 257, A replaced by C.
Molecular consequence: intron variant.
Genome position (GRCh38, 1-based): chr15:44,663,376, T>G on the plus strand (A>C on the coding strand, the complement: SPG11 is on the minus strand). VCF-style: chr15-44663376-T-G. GRCh37 (hg19) VCF-style: chr15-44955574-T-G.
Other names: c.257+15A>C (NM_001160227.2).
Identifiers: ClinVar variation 511997 (VCV000511997.12), dbSNP rs538988623, ClinGen allele CA7535915.

ClinVar aggregate classification (germline): Conflicting classifications of pathogenicity. Review status: criteria provided, conflicting classifications (1 of 4 stars). 3 submissions from 3 submitters: Uncertain significance (1); Likely benign (2). Last evaluated 2026-02-03.

Conditions:
Hereditary spastic paraplegia 11. Also called: Spastic Paraplegia 11; Spastic paraplegia, mental retardation and thin corpus callosum; Nakamura Osame syndrome; Autosomal recessive hereditary spastic paraplegia, mental impairment, and thin corpus callosum; SPASTIC PARAPLEGIA, AUTOSOMAL RECESSIVE, COMPLICATED, WITH THIN CORPUS CALLOSUM; SPASTIC PARAPLEGIA, AUTOSOMAL RECESSIVE, WITH MENTAL IMPAIRMENT AND THIN CORPUS CALLOSUM. Identifiers: Orphanet 2822, MedGen C1858479, MONDO:0011445, OMIM 604360.

Allele frequency attached by ClinVar (database versions not stated): 1000 Genomes Project 30x 0.00016; 1000 Genomes Project 0.00020; TOPMed 0.00031; gnomAD 0.00032.
gnomAD v4.1: 687 of 1,604,480 alleles (0.043%); highest among the groups gnomAD compares: Non-Finnish European, 0.051%; no homozygotes.

Submissions (3):

Labcorp Genetics (formerly Invitae), Labcorp
Classification: Likely benign for Hereditary spastic paraplegia 11. Last evaluated: 2026-02-03. Review status: criteria provided, single submitter. Criteria: Invitae Variant Classification Sherloc (09022015). Collection method: clinical testing. Allele origin: germline.

Illumina Laboratory Services, Illumina
Classification: Uncertain significance for Hereditary spastic paraplegia 11. Last evaluated: 2018-01-13. Review status: criteria provided, single submitter. Criteria: ICSL Variant Classification Criteria 13 December 2019. Collection method: clinical testing. Allele origin: germline.

GeneDx
Classification: Likely benign. Last evaluated: 2017-09-18. Review status: criteria provided, single submitter. Criteria: GeneDx Variant Classification (06012015). Collection method: clinical testing. Allele origin: germline. Affected: yes.
Comment: This variant is considered likely benign or benign based on one or more of the following criteria: it is a conservative change, it occurs at a poorly conserved position in the protein, it is predicted to be benign by multiple in silico algorithms, and/or has population frequency not consistent with disease.